The following is an entry in ClinVar:

NM_000051.4(ATM):c.1178G>A (p.Trp393Ter)

Gene: ATM (ATM serine/threonine kinase; plus strand). Cytogenetic location: 11q22.3.
Variant type: single nucleotide variant.
Coding change: c.1178G>A on transcript NM_000051.4 (MANE Select); coding-DNA position 1178, G replaced by A.
Protein change: p.Trp393Ter; replaces tryptophan 393 with a stop codon.
Molecular consequence: nonsense.
Genome position (GRCh38, 1-based): chr11:108,249,045, G>A. VCF-style: chr11-108249045-G-A. GRCh37 (hg19) VCF-style: chr11-108119772-G-A.
Other names: c.1178G>A, p.Trp393Ter (NM_001351834.2); short protein forms W393*.
Identifiers: ClinVar variation 481243 (VCV000481243.10), dbSNP rs1025339570, ClinGen allele CA382532540.

ClinVar aggregate classification (germline): Pathogenic. Review status: criteria provided, multiple submitters, no conflicts (2 of 4 stars). 3 submissions from 3 submitters: Pathogenic (3). Last evaluated 2025-10-13.

Conditions:
Hereditary cancer-predisposing syndrome. Also called: Hereditary neoplastic syndrome; Neoplastic Syndromes, Hereditary; Tumor predisposition; Hereditary Cancer Syndrome. Identifiers: Orphanet 140162, MedGen C0027672, MeSH D009386, MONDO:0015356.
Familial cancer of breast. Also called: BREAST CANCER, FAMILIAL; Hereditary breast cancer; hereditary breast carcinoma. Identifiers: Orphanet 227535, MedGen C0346153, MONDO:0016419, OMIM 114480. Disease mechanism: loss of function.
Ataxia-telangiectasia syndrome (AT). Also called: LOUIS-BAR SYNDROME; Cerebello-oculocutaneous telangiectasia; Immunodeficiency with ataxia telangiectasia; AT, COMPLEMENTATION GROUP C; Ataxia-telangiectasia, complementation group D; ATAXIA-TELANGIECTASIA, COMPLEMENTATION GROUP A. Identifiers: Orphanet 100, MedGen C0004135, MONDO:0008840, OMIM 208900.

Submissions (3):

Labcorp Genetics (formerly Invitae), Labcorp
Classification: Pathogenic for Ataxia-telangiectasia syndrome. Last evaluated: 2025-10-13. Review status: criteria provided, single submitter. Criteria: Invitae Variant Classification Sherloc (09022015). Collection method: clinical testing. Allele origin: germline.
Comment: This sequence change creates a premature translational stop signal (p.Trp393*) in the ATM gene. It is expected to result in an absent or disrupted protein product. Loss-of-function variants in ATM are known to be pathogenic (PMID: 23807571, 25614872). This variant is not present in population databases (gnomAD no frequency). This premature translational stop signal has been observed in individual(s) with ataxia-telangiectasia (PMID: 10330348). ClinVar contains an entry for this variant (Variation ID: 481243). Algorithms developed to predict the effect of sequence changes on RNA splicing suggest that this variant may disrupt the consensus splice site. For these reasons, this variant has been classified as Pathogenic.

Myriad Genetics, Inc.
Classification: Pathogenic for Familial cancer of breast. Last evaluated: 2024-01-12. Review status: criteria provided, single submitter. Criteria: Myriad Autosomal Dominant, Autosomal Recessive and X-Linked Classification Criteria (2023). Collection method: clinical testing. Allele origin: unknown.
Comment: This variant is considered pathogenic. This variant creates a termination codon and is predicted to result in premature protein truncation.

Ambry Genetics
Classification: Pathogenic for Hereditary cancer-predisposing syndrome. Last evaluated: 2016-05-10. Review status: criteria provided, single submitter. Criteria: Ambry Variant Classification Scheme 2023. Collection method: clinical testing. Allele origin: germline.
Comment: The p.W393* pathogenic mutation (also known as c.1178G>A), located in coding exon 8 of the ATM gene, results from a G to A substitution at nucleotide position 1178. This changes the amino acid from a tryptophan to a stop codon within coding exon 8. Since premature stop codons are typically deleterious in nature, this alteration is interpreted as a disease-causing mutation (ACMG Recommendations for Standards for Interpretation and Reporting of Sequence Variations. Revision 2007. Genet Med. 2008; 10:294).

Literature cited by the submitters: PubMed 23807571 (cited by Labcorp Genetics (formerly Invitae), Labcorp); PubMed 25614872 (cited by Labcorp Genetics (formerly Invitae), Labcorp); PubMed 10330348 (cited by Labcorp Genetics (formerly Invitae), Labcorp).